The following is an entry in ClinVar:

ClinVar aggregate classification (germline): Uncertain significance. Review status: criteria provided, multiple submitters, no conflicts (2 of 4 stars). 3 submissions from 3 submitters: Uncertain significance (3). Last evaluated 2024-11-21.

Conditions:
Charcot-Marie-Tooth disease type 2. Also called: Charcot-Marie-Tooth type 2. Identifiers: Orphanet 64746, MedGen C0270914, MONDO:0018993.

Allele frequency attached by ClinVar (database versions not stated): gnomAD exomes 0.00002; gnomAD 0.00001; ExAC 0.00002.
gnomAD v4.1: 30 of 1,613,988 alleles (0.0019%); highest among the groups gnomAD compares: Non-Finnish European, 0.0025%; no homozygotes.

Submissions (3):

Labcorp Genetics (formerly Invitae), Labcorp
Classification: Uncertain significance for Charcot-Marie-Tooth disease type 2. Last evaluated: 2024-11-21. Review status: criteria provided, single submitter. Criteria: Invitae Variant Classification Sherloc (09022015). Collection method: clinical testing. Allele origin: germline.
Comment: This sequence change replaces arginine, which is basic and polar, with glutamine, which is neutral and polar, at codon 693 of the GARS protein (p.Arg693Gln). This variant is present in population databases (rs761396453, gnomAD 0.003%). This variant has not been reported in the literature in individuals affected with GARS-related conditions. ClinVar contains an entry for this variant (Variation ID: 1799943). Invitae Evidence Modeling of protein sequence and biophysical properties (such as structural, functional, and spatial information, amino acid conservation, physicochemical variation, residue mobility, and thermodynamic stability) indicates that this missense variant is not expected to disrupt GARS protein function with a negative predictive value of 95%. In summary, the available evidence is currently insufficient to determine the role of this variant in disease. Therefore, it has been classified as a Variant of Uncertain Significance.

Ambry Genetics
Classification: Uncertain significance. Last evaluated: 2020-06-26. Review status: criteria provided, single submitter. Criteria: Ambry Variant Classification Scheme 2023. Collection method: clinical testing. Allele origin: germline.
Comment: The p.R693Q variant (also known as c.2078G>A), located in coding exon 16 of the GARS gene, results from a G to A substitution at nucleotide position 2078. The arginine at codon 693 is replaced by glutamine, an amino acid with highly similar properties. This amino acid position is well conserved in available vertebrate species. In addition, the in silico prediction for this alteration is inconclusive. Since supporting evidence is limited at this time, the clinical significance of this alteration remains unclear.

Revvity Omics, Revvity
Classification: Uncertain significance. Last evaluated: 2020-04-04. Review status: criteria provided, single submitter. Criteria: ACMG Guidelines, 2015. Collection method: clinical testing. Allele origin: germline.

NM_002047.4(GARS1):c.2078G>A (p.Arg693Gln)

Gene: GARS1 (glycyl-tRNA synthetase 1; plus strand). Cytogenetic location: 7p14.3.
Variant type: single nucleotide variant.
Coding change: c.2078G>A on transcript NM_002047.4 (MANE Select); coding-DNA position 2078, G replaced by A.
Protein change: p.Arg693Gln; replaces arginine 693 with glutamine.
Molecular consequence: missense variant.
Genome position (GRCh38, 1-based): chr7:30,632,421, G>A. VCF-style: chr7-30632421-G-A. GRCh37 (hg19) VCF-style: chr7-30672037-G-A.
Other names: c.1916G>A, p.Arg639Gln (NM_001316772.1); short protein forms R639Q, R693Q.
Identifiers: ClinVar variation 1799943 (VCV001799943.7), dbSNP rs761396453, ClinGen allele CA4206149.